The following is an entry in ClinVar:

NM_032520.5(GNPTG):c.610-2A>G

Gene: GNPTG (N-acetylglucosamine-1-phosphate transferase subunit gamma; plus strand). Cytogenetic location: 16p13.3.
Variant type: single nucleotide variant.
Coding change: c.610-2A>G on transcript NM_032520.5 (MANE Select); the canonical splice acceptor site of the intron before coding-DNA position 610, A replaced by G.
Molecular consequence: splice acceptor variant.
Genome position (GRCh38, 1-based): chr16:1,362,609, A>G. VCF-style: chr16-1362609-A-G. GRCh37 (hg19) VCF-style: chr16-1412610-A-G.
Other names: IVS8AS, A-G, -2.
Identifiers: ClinVar variation 21721 (VCV000021721.12), dbSNP rs193302855, ClinGen allele CA342411.
Genomic context (GRCh38, chr16:1,362,609, plus strand): 5'-GGGGTGGCCCCTGGTGGGCCTGGCTGGGAGCTGGGTGCTGCCCCTGCATCCTCCACCTTC[A>G]GGGCCATGAGAAGTTGCTGAGGACACTTTTTGAGGATGCTGGCTACTTAAAGACCCCAGA-3'

ClinVar aggregate classification (germline): Pathogenic/Likely pathogenic. Review status: criteria provided, multiple submitters, no conflicts (2 of 4 stars). 4 submissions from 4 submitters: Pathogenic (1); Likely pathogenic (1). 2 of the submissions do not count toward it. Last evaluated 2025-02-03.

Conditions:
GNPTG-mucolipidosis. Also called: ML III GAMMA; ML IIIC; MUCOLIPIDOSIS III, COMPLEMENTATION GROUP C; MUCOLIPIDOSIS III, IRANIAN VARIANT FORM; MUCOLIPIDOSIS III, VARIANT FORM; Mucolipidosis type III gamma. Identifiers: Orphanet 423470, Orphanet 577, MedGen C1854896, MONDO:0009652, OMIM 252605.

Allele frequency attached by ClinVar (database versions not stated): gnomAD exomes below 0.00001 and 0.00001; ExAC 0.00001; TOPMed 0.00002; gnomAD 0.00004.
gnomAD v4.1: 13 of 1,614,056 alleles (0.00081%); highest among the groups gnomAD compares: Non-Finnish European, 0.0011%; no homozygotes.

Submissions (4):

Natera, Inc.
Classification: Likely pathogenic for Mucolipidosis III gamma. Last evaluated: 2025-02-03. Review status: criteria provided, single submitter. Criteria: Natera Variant Classification Schema (03/2026). Collection method: clinical testing. Allele origin: germline.
Comment: The c.610-2A>G variant in GNPTG is a canonical splice acceptor site variant predicted to affect pre-mRNA splicing, which may result in an abnormal transcript and altered protein product. This variant is expected to result in nonsense mediated decay, truncation, or a dysfunctional protein product. This variant is rare in the general population with a frequency below the threshold expected for the associated phenotype(s). This variant has been observed in one or more individuals affected with the associated recessive disease, as either homozygous or compound heterozygous with a second variant (PMID: 19370764). Functional studies show that this variant may disrupt protein function (PMID: 19370764). Given the available evidence, this variant is classified as Likely Pathogenic.

Labcorp Genetics (formerly Invitae), Labcorp
Classification: Pathogenic. Last evaluated: 2023-09-21. Review status: criteria provided, single submitter. Criteria: Invitae Variant Classification Sherloc (09022015). Collection method: clinical testing. Allele origin: germline.
Comment: For these reasons, this variant has been classified as Pathogenic. Studies have shown that disruption of this splice site results in a retention of intron 8 and 9 and introduces a premature termination codon (PMID: 19370764). The resulting mRNA is expected to undergo nonsense-mediated decay. ClinVar contains an entry for this variant (Variation ID: 21721). Disruption of this splice site has been observed in individual(s) with mucolipidosis III gamma (PMID: 19370764). This variant is present in population databases (rs193302855, gnomAD 0.003%). This sequence change affects an acceptor splice site in intron 8 of the GNPTG gene. RNA analysis indicates that disruption of this splice site induces altered splicing and may result in an absent or disrupted protein product.

OMIM
Classification: Pathogenic for MUCOLIPIDOSIS III GAMMA. Last evaluated: 2009-06-01. Review status: no assertion criteria provided. Collection method: literature only. Allele origin: germline. Not counted in ClinVar's aggregate classification.

GeneReviews
No classification provided. Condition: GNPTG-mucolipidosis. Review status: no classification provided. Collection method: literature only. Allele origin: unknown. Not counted in ClinVar's aggregate classification.

Literature cited by the submitters: PubMed 19370764 (cited by 3 submitters); PubMed 20301784 (cited by GeneReviews); NCBI Bookshelf NBK24701 (cited by GeneReviews).